The following is an entry in ClinVar:

NM_001148.6(ANK2):c.2158G>A (p.Asp720Asn)

Gene: ANK2 (ankyrin 2; plus strand). Cytogenetic location: 4q26.
Variant type: single nucleotide variant.
Coding change: c.2158G>A on transcript NM_001148.6 (MANE Select); coding-DNA position 2158, G replaced by A.
Protein change: p.Asp720Asn; replaces aspartic acid 720 with asparagine.
Molecular consequence: missense variant.
Genome position (GRCh38, 1-based): chr4:113,287,683, G>A. VCF-style: chr4-113287683-G-A. GRCh37 (hg19) VCF-style: chr4-114208839-G-A.
Other names: c.2095G>A, p.Asp699Asn (NM_001127493.3, NM_001354239.2, NM_001354243.2 and 10 more transcripts); c.2158G>A, p.Asp720Asn (NM_001354225.2, NM_001354228.2, NM_001354232.2 and 6 more transcripts); c.2203G>A, p.Asp735Asn (NM_001354230.2, NM_001354231.2, NM_001354237.2 and 5 more transcripts); c.2059G>A, p.Asp687Asn (NM_001354245.2, NM_001354268.2); c.2071G>A, p.Asp691Asn (NM_001354249.2, NM_001354274.2, NM_001354276.2 and 10 more transcripts); c.1996G>A, p.Asp666Asn (NM_001354253.2, NM_001354257.2, NM_001386156.1 and 1 more transcripts); c.1972G>A, p.Asp658Asn (NM_001354271.2, NM_001354260.2, NM_001386151.1); c.1960G>A, p.Asp654Asn (NM_001354273.2); and 8 more; short protein forms D720N, D699N, D625N, D654N, D666N, D658N, D735N, D650N.
Identifiers: ClinVar variation 457027 (VCV000457027.5), dbSNP rs1554422359, ClinGen allele CA357915804.
Genomic context (GRCh38, chr4:113,287,683, plus strand): 5'-CACCTTGCAGCCCAGGAAGATAAAGTGAATGTTGCTGATATTCTCACCAAGCATGGAGCT[G>A]ATCAGGATGCTCATACAAAGGTAAAGCAAATCACTCTCAGTATTGTGACAGGTTCTGGCT-3'
Protein context (NP_001139.3, residues 710-730): VADILTKHGA[Asp720Asn]QDAHTKLGYT

ClinVar aggregate classification (germline): Uncertain significance (1 of 4 stars; one submission).

Conditions:
Long QT syndrome (LQTS). Identifiers: MedGen C0023976, MeSH D008133, MONDO:0002442. Disease mechanism: loss of function. Inheritance: Various modes of inheritance.

Submission:

Labcorp Genetics (formerly Invitae), Labcorp
Classification: Uncertain significance for Long QT syndrome. Last evaluated: 2017-06-27. Review status: criteria provided, single submitter. Criteria: Invitae Variant Classification Sherloc (09022015). Collection method: clinical testing. Allele origin: germline.
Comment: This sequence change replaces aspartic acid with asparagine at codon 720 of the ANK2 protein (p.Asp720Asn). The aspartic acid residue is weakly conserved and there is a small physicochemical difference between aspartic acid and asparagine. This variant is not present in population databases (ExAC no frequency). In summary, the available evidence is currently insufficient to determine the role of this variant in disease. Therefore, it has been classified as a Variant of Uncertain Significance. Algorithms developed to predict the effect of missense changes on protein structure and function output the following: SIFT: "Tolerated"; PolyPhen-2: "Benign"; Align-GVGD: "Class C0". The asparagine amino acid residue is found in multiple mammalian species, suggesting that this missense change does not adversely affect protein function. These predictions have not been confirmed by published functional studies and their clinical significance is uncertain. This variant has not been reported in the literature in individuals with ANK2-related disease.